The following is an entry in ClinVar:

ClinVar aggregate classification (germline): Uncertain significance (1 of 4 stars; one submission).

Conditions:
Inborn genetic diseases. Identifiers: MedGen C0950123, MeSH D030342.

Allele frequency attached by ClinVar (database versions not stated): gnomAD exomes below 0.00001.
gnomAD v4.1: 4 of 1,614,018 alleles (0.00025%); highest among the groups gnomAD compares: Non-Finnish European, 0.00034%; no homozygotes.

Submission:

Ambry Genetics
Classification: Uncertain significance for Inborn genetic diseases. Last evaluated: 2024-01-18. Review status: criteria provided, single submitter. Criteria: Ambry Variant Classification Scheme 2023. Collection method: clinical testing. Allele origin: germline.
Comment: The c.3751A>G (p.I1251V) alteration is located in exon 4 (coding exon 3) of the MYO15A gene. This alteration results from a A to G substitution at nucleotide position 3751, causing the isoleucine (I) at amino acid position 1251 to be replaced by a valine (V). This variant was not reported in population-based cohorts in the Genome Aggregation Database (gnomAD). Another alteration at the same codon, c.3753C>G (p.I1251M), has been detected in an individual with severe deafness (He, 2018). This amino acid position is highly conserved in available vertebrate species. The in silico prediction for this alteration is inconclusive. Based on insufficient or conflicting evidence, the clinical significance of this alteration remains unclear.

Literature cited by the submitters: PubMed 29178603.

NM_016239.4(MYO15A):c.3751A>G (p.Ile1251Val)

Gene: MYO15A (myosin XVA; plus strand). Cytogenetic location: 17p11.2.
Variant type: single nucleotide variant.
Coding change: c.3751A>G on transcript NM_016239.4 (MANE Select); coding-DNA position 3751, A replaced by G.
Protein change: p.Ile1251Val; replaces isoleucine 1251 with valine.
Molecular consequence: missense variant.
Genome position (GRCh38, 1-based): chr17:18,125,226, A>G. VCF-style: chr17-18125226-A-G. GRCh37 (hg19) VCF-style: chr17-18028540-A-G.
Other names: short protein forms I1251V.
Identifiers: ClinVar variation 3161009 (VCV003161009.1), dbSNP rs755138984, ClinGen allele CA398590238.